The following is an entry in ClinVar:

ClinVar aggregate classification (germline): Likely benign. Review status: criteria provided, single submitter (1 of 4 stars). 2 submissions from 2 submitters: Likely benign (1). 1 of the submissions does not count toward it. Last evaluated 2025-08-14.

Conditions:
Hyperimmunoglobulin D with periodic fever (HIDS). Also called: HYPERIMMUNOGLOBULINEMIA D AND PERIODIC FEVER SYNDROME; Hyperimmunoglobulinemia D; Hyperimmunoglobulinemia D with periodic fever. Identifiers: Orphanet 343, MedGen C0398691, MONDO:0009849, OMIM 260920.

Allele frequency attached by ClinVar (database versions not stated): gnomAD 0.00314 and 0.00294; ESP Exome Variant Server 0.00323; TOPMed 0.00356; 1000 Genomes Project 0.00539; gnomAD exomes 0.00027 and 0.00082; ExAC 0.00108; 1000 Genomes Project 30x 0.00547.

Submissions (2):

Mayo Clinic Laboratories, Mayo Clinic
Classification: Likely benign. Last evaluated: 2025-08-14. Review status: criteria provided, single submitter. Criteria: ACMG Guidelines, 2015. Collection method: clinical testing. Allele origin: germline. Observed: 3 variant alleles.
Comment: BS1, BP4, BP7

Unité médicale des maladies autoinflammatoires, CHRU Montpellier
No classification provided. Condition: Hyperimmunoglobulin D with periodic fever. Review status: no classification provided. Collection method: not provided. Allele origin: unknown. Not counted in ClinVar's aggregate classification.
Comment: also involved in OMIM 25117

NM_000431.4(MVK):c.768+23G>C

Gene: MVK (mevalonate kinase; plus strand). Cytogenetic location: 12q24.11.
Variant type: single nucleotide variant.
Coding change: c.768+23G>C on transcript NM_000431.4 (MANE Select); 23 bases into the intron after coding-DNA position 768, G replaced by C.
Molecular consequence: intron variant.
Genome position (GRCh38, 1-based): chr12:109,590,884, G>C. VCF-style: chr12-109590884-G-C. GRCh37 (hg19) VCF-style: chr12-110028689-G-C.
Other names: p.?; c.612+23G>C (NM_001301182.2); c.768+23G>C (NM_001114185.3).
Identifiers: ClinVar variation 97618 (VCV000097618.2), dbSNP rs104895347, ClinGen allele CA149892.